The following is an entry in ClinVar:

ClinVar aggregate classification (germline): Conflicting classifications of pathogenicity. Review status: criteria provided, conflicting classifications (1 of 4 stars). 4 submissions from 4 submitters: Uncertain significance (3); Likely benign (1). Last evaluated 2025-09-01.

Conditions:
Inborn genetic diseases. Identifiers: MedGen C0950123, MeSH D030342.

Allele frequency attached by ClinVar (database versions not stated): ESP Exome Variant Server 0.00015.
gnomAD v4.1: 41 of 1,611,996 alleles (0.0025%); highest among the groups gnomAD compares: African/African-American, 0.016%; no homozygotes.

Submissions (4):

Ambry Genetics
Classification: Uncertain significance for Inborn genetic diseases. Last evaluated: 2025-09-01. Review status: criteria provided, single submitter. Criteria: Ambry Variant Classification Scheme 2023. Collection method: clinical testing. Allele origin: germline.

CeGaT Center for Human Genetics Tuebingen
Classification: Uncertain significance. Last evaluated: 2025-06-01. Review status: criteria provided, single submitter. Criteria: CeGaT Center For Human Genetics Tuebingen Variant Classification Criteria Version 2. Collection method: clinical testing. Allele origin: germline. Affected: yes. Observed: 1 variant allele.
Comment: COL27A1: PM2

Labcorp Genetics (formerly Invitae), Labcorp
Classification: Likely benign. Last evaluated: 2025-04-29. Review status: criteria provided, single submitter. Criteria: Invitae Variant Classification Sherloc (09022015). Collection method: clinical testing. Allele origin: germline.

Institute for Clinical Genetics, University Hospital TU Dresden, University Hospital TU Dresden
Classification: Uncertain significance. Last evaluated: 2021-11-03. Review status: criteria provided, single submitter. Criteria: ACMG Guidelines, 2015. Collection method: clinical testing. Allele origin: germline.

NM_032888.4(COL27A1):c.1727G>T (p.Ser576Ile)

Gene: COL27A1 (collagen type XXVII alpha 1 chain; plus strand). Cytogenetic location: 9q32.
Variant type: single nucleotide variant.
Coding change: c.1727G>T on transcript NM_032888.4 (MANE Select); coding-DNA position 1727, G replaced by T.
Protein change: p.Ser576Ile; replaces serine 576 with isoleucine.
Molecular consequence: missense variant.
Genome position (GRCh38, 1-based): chr9:114,169,282, G>T. VCF-style: chr9-114169282-G-T. GRCh37 (hg19) VCF-style: chr9-116931562-G-T.
Other names: short protein forms S576I.
Identifiers: ClinVar variation 1319418 (VCV001319418.20), dbSNP rs148019836, ClinGen allele CA5201457.